The following is an entry in ClinVar:

NM_030665.4(RAI1):c.3479G>A (p.Arg1160Gln)

Gene: RAI1 (retinoic acid induced 1; plus strand). Cytogenetic location: 17p11.2.
Variant type: single nucleotide variant.
Coding change: c.3479G>A on transcript NM_030665.4 (MANE Select); coding-DNA position 3479, G replaced by A.
Protein change: p.Arg1160Gln; replaces arginine 1160 with glutamine.
Molecular consequence: missense variant.
Genome position (GRCh38, 1-based): chr17:17,796,427, G>A. VCF-style: chr17-17796427-G-A. GRCh37 (hg19) VCF-style: chr17-17699741-G-A.
Other names: c.3479G>A (NM_030665.3); short protein forms R1160Q.
Identifiers: ClinVar variation 1485167 (VCV001485167.12), dbSNP rs764373875, ClinGen allele CA8418727.
Genomic context (GRCh38, chr17:17,796,427, plus strand): 5'-ACCAGCGCTCCATGATCCTTCGGTCACGCACCAAAACCCAGGAGATCTTCCACTCCAAGC[G>A]GCGGAGGCCCTCTGAGGGCCGGCTCCCCAACTGCCGTGCCACCAAGAAGCTCCTCGACAA-3'
Protein context (NP_109590.3, residues 1150-1170): TKTQEIFHSK[Arg1160Gln]RRPSEGRLPN

ClinVar aggregate classification (germline): Benign/Likely benign. Review status: criteria provided, multiple submitters, no conflicts (2 of 4 stars). 3 submissions from 3 submitters: Benign (1); Likely benign (1). 1 of the submissions does not count toward it. Last evaluated 2026-05-01.

Conditions:
RAI1-related disorder. Also called: RAI1-related condition.

Allele frequency attached by ClinVar (database versions not stated): gnomAD exomes 0.00002 and 0.00004; ExAC 0.00003; gnomAD 0.00004; TOPMed 0.00006.
gnomAD v4.1: 30 of 1,613,324 alleles (0.0019%); highest among the groups gnomAD compares: Admixed American, 0.02%; no homozygotes.

Submissions (3):

CeGaT Center for Human Genetics Tuebingen
Classification: Likely benign. Last evaluated: 2026-05-01. Review status: criteria provided, single submitter. Criteria: CeGaT Center For Human Genetics Tuebingen Variant Classification Criteria Version 2. Collection method: clinical testing. Allele origin: germline. Affected: yes. Observed: 1 variant allele.
Comment: RAI1: BP4

Labcorp Genetics (formerly Invitae), Labcorp
Classification: Benign. Last evaluated: 2025-07-09. Review status: criteria provided, single submitter. Criteria: Invitae Variant Classification Sherloc (09022015). Collection method: clinical testing. Allele origin: germline.

PreventionGenetics, part of Exact Sciences
Classification: Uncertain significance for RAI1-related condition. Last evaluated: 2024-09-23. Review status: no assertion criteria provided. Collection method: clinical testing. Allele origin: germline. Not counted in ClinVar's aggregate classification.
Comment: The RAI1 c.3479G>A variant is predicted to result in the amino acid substitution p.Arg1160Gln. This variant has been reported in the homozygous state in two individuals with primary familial brain calcification; however, both reported individuals were also homozygous for an in-frame three nucleotide deletion in the MYORG gene (Arkadir et al. 2018. PubMed ID: 30656188). This variant is reported in 0.017% of alleles in individuals of Latino descent in gnomAD, which may be too common to be a primary cause of disease. Although we suspect that this variant may be benign, at this time, the clinical significance of this variant is uncertain due to the absence of conclusive functional and genetic evidence.